The following is an entry in ClinVar:

ClinVar aggregate classification (germline): Uncertain significance (1 of 4 stars; one submission).

Conditions:
Colorectal cancer, hereditary nonpolyposis, type 7. Identifiers: Orphanet 144, MedGen C1858380, MONDO:0013725, OMIM 614385.

Submission:

Labcorp Genetics (formerly Invitae), Labcorp
Classification: Uncertain significance for Colorectal cancer, hereditary nonpolyposis, type 7. Last evaluated: 2020-10-14. Review status: criteria provided, single submitter. Criteria: Invitae Variant Classification Sherloc (09022015). Collection method: clinical testing. Allele origin: germline.
Comment: In summary, the available evidence is currently insufficient to determine the role of this variant in disease. Therefore, it has been classified as a Variant of Uncertain Significance. The current clinical and genetic evidence is not sufficient to establish whether loss-of-function variants in MLH3 cause disease. This variant has not been reported in the literature in individuals with MLH3-related conditions. This variant is an out-of-frame deletion of the genomic region encompassing exon(s) 10-11 of the MLH3 gene. This is expected to create a premature translational stop signal and result in an absent or disrupted protein product.

NC_000014.8:g.(?_75489507)_(75489731_?)del

Gene: MLH3 (mutL homolog 3; minus strand). Cytogenetic location: 14q24.3.
Variant type: Deletion.
Identifiers: ClinVar variation 1010547 (VCV001010547.5).